The following is an entry in ClinVar:

NM_025136.4(OPA3):c.197C>T (p.Thr66Met)

Genes: OPA3 (outer mitochondrial membrane lipid metabolism regulator OPA3; minus strand), OPA3-RTN2 (OPA3-RTN2 readthrough; minus strand). Cytogenetic location: 19q13.32.
Variant type: single nucleotide variant.
Coding change: c.197C>T on transcript NM_025136.4 (MANE Select); coding-DNA position 197, C replaced by T.
Protein change: p.Thr66Met; replaces threonine 66 with methionine.
Molecular consequence: missense variant. On other transcripts: intron variant (1).
Genome position (GRCh38, 1-based): chr19:45,553,857, G>A on the plus strand (C>T on the coding strand, the complement: OPA3 is on the minus strand). VCF-style: chr19-45553857-G-A. GRCh37 (hg19) VCF-style: chr19-46057115-G-A.
Other names: c.143-24401C>T (NM_001017989.3); short protein forms T66M.
Identifiers: ClinVar variation 1475413 (VCV001475413.5), dbSNP rs753129998, ClinGen allele CA9517441.

ClinVar aggregate classification (germline): Uncertain significance (1 of 4 stars; one submission).

Conditions:
Optic atrophy 3 (OPA3). Also called: Optic atrophy 3 with cataract; OPTIC ATROPHY 3, AUTOSOMAL DOMINANT; Optic atrophy, cataract, and neurologic disorder. Identifiers: Orphanet 67036, MedGen C1833809, MONDO:0008133, OMIM 165300.
3-Methylglutaconic aciduria type 3 (MGCA3). Also called: OPA3-Related 3-Methylglutaconic Aciduria; Costeff Syndrome; OPA3, AUTOSOMAL RECESSIVE; OPTIC ATROPHY 3, AUTOSOMAL RECESSIVE. Identifiers: Orphanet 67047, MedGen C0574084, MONDO:0009787, OMIM 258501.

Allele frequency attached by ClinVar (database versions not stated): ExAC 0.00001; gnomAD 0.00001; gnomAD exomes 0.00001 and 0.00002; TOPMed 0.00001.
gnomAD v4.1: 10 of 1,611,732 alleles (0.00062%); highest among the groups gnomAD compares: South Asian, 0.0022%; no homozygotes.

Submission:

Labcorp Genetics (formerly Invitae), Labcorp
Classification: Uncertain significance for 3-Methylglutaconic aciduria type 3; Optic atrophy 3. Last evaluated: 2022-10-13. Review status: criteria provided, single submitter. Criteria: Invitae Variant Classification Sherloc (09022015). Collection method: clinical testing. Allele origin: germline.
Comment: This sequence change replaces threonine, which is neutral and polar, with methionine, which is neutral and non-polar, at codon 66 of the OPA3 protein (p.Thr66Met). This variant is present in population databases (rs753129998, gnomAD 0.02%). This variant has not been reported in the literature in individuals affected with OPA3-related conditions. ClinVar contains an entry for this variant (Variation ID: 1475413). Algorithms developed to predict the effect of missense changes on protein structure and function are either unavailable or do not agree on the potential impact of this missense change (SIFT: "Tolerated"; PolyPhen-2: "Possibly Damaging"; Align-GVGD: "Class C0"). In summary, the available evidence is currently insufficient to determine the role of this variant in disease. Therefore, it has been classified as a Variant of Uncertain Significance.